The following is an entry in ClinVar:

ClinVar aggregate classification (germline): Pathogenic/Likely pathogenic. Review status: criteria provided, multiple submitters, no conflicts (2 of 4 stars). 3 submissions from 3 submitters: Pathogenic (1); Likely pathogenic (2). Last evaluated 2025-10-17.

Conditions:
Plasma factor XI deficiency.
Hereditary factor XI deficiency disease. Also called: PLASMA THROMBOPLASTIN ANTECEDENT DEFICIENCY; PTA DEFICIENCY; ROSENTHAL SYNDROME; Congenital factor XI deficiency. Identifiers: Orphanet 329, MedGen C0015523, MeSH D005173, MONDO:0012897, OMIM 612416.

gnomAD v4.1: 5 of 1,612,398 alleles (0.00031%); highest among the groups gnomAD compares: East Asian, 0.0089%; no homozygotes.

Submissions (3):

Labcorp Genetics (formerly Invitae), Labcorp
Classification: Pathogenic. Last evaluated: 2025-10-17. Review status: criteria provided, single submitter. Criteria: Invitae Variant Classification Sherloc (09022015). Collection method: clinical testing. Allele origin: germline.
Comment: This sequence change replaces leucine, which is neutral and non-polar, with proline, which is neutral and non-polar, at codon 190 of the F11 protein (p.Leu190Pro). This variant is present in population databases (rs574509278, gnomAD 0.02%). This missense change has been observed in individual(s) with autosomal recessive factor XI deficiency (PMID: 15182578). In at least one individual the data is consistent with being in trans (on the opposite chromosome) from a pathogenic variant. This variant is also known as Leu172Pro. Invitae Evidence Modeling of protein sequence and biophysical properties (such as structural, functional, and spatial information, amino acid conservation, physicochemical variation, residue mobility, and thermodynamic stability) indicates that this missense variant is expected to disrupt F11 protein function with a positive predictive value of 95%. For these reasons, this variant has been classified as Pathogenic.

Natera, Inc.
Classification: Likely pathogenic for Plasma factor XI deficiency. Last evaluated: 2025-05-12. Review status: criteria provided, single submitter. Criteria: Natera Variant Classification Schema (03/2026). Collection method: clinical testing. Allele origin: germline.
Comment: The c.569T>C variant in F11 is a missense variant predicted to cause substitution of leucine to proline at amino acid 190. This variant is rare in the general population with a frequency below the threshold expected for the associated phenotype(s). This variant has been observed in one or more individuals affected with the associated recessive disease, as either homozygous or compound heterozygous with a second variant (PMID: 15182578, 27067486). Computational prediction algorithms indicate this variant is likely to affect gene or protein function. Given the available evidence, this variant is classified as Likely Pathogenic.

Juno Genomics, Hangzhou Juno Genomics, Inc
Classification: Likely pathogenic for Hereditary factor XI deficiency disease. Review status: criteria provided, single submitter. Criteria: ACMG Guidelines, 2015. Collection method: clinical testing. Allele origin: germline.
Comment: Absent from controls (or at extremely low frequency if recessive) in Genome Aggregation Database.;Multiple lines of computational evidence support a deleterious effect on the gene or gene product.;For recessive disorders, detected in trans with a pathogenic variant.;Patient's phenotype or family history is highly specific for a disease with a single genetic etiology.

Literature cited by the submitters: PubMed 15182578 (cited by Labcorp Genetics (formerly Invitae), Labcorp and Natera, Inc.); PubMed 27067486 (cited by Natera, Inc.).

NM_000128.4(F11):c.569T>C (p.Leu190Pro)

Gene: F11 (coagulation factor XI; plus strand). Cytogenetic location: 4q35.2.
Variant type: single nucleotide variant.
Coding change: c.569T>C on transcript NM_000128.4 (MANE Select); coding-DNA position 569, T replaced by C.
Protein change: p.Leu190Pro; replaces leucine 190 with proline.
Molecular consequence: missense variant. On other transcripts: intron variant (4).
Genome position (GRCh38, 1-based): chr4:186,275,870, T>C. VCF-style: chr4-186275870-T-C. GRCh37 (hg19) VCF-style: chr4-187197024-T-C.
Other names: c.569T>C, p.Leu190Pro (NM_001440590.1, NM_001440593.1, NM_001440596.1); c.485+1595T>C (NM_001440605.1, NM_001440607.1, NM_001440606.1 and 1 more transcripts); short protein forms L190P.
Identifiers: ClinVar variation 4747425 (VCV004747425.4).